The following is an entry in ClinVar:

ClinVar aggregate classification (germline): Likely pathogenic (1 of 4 stars; one submission).

Conditions:
LCA5-related disorder. Also called: LCA5-related condition.

Submission:

PreventionGenetics, part of Exact Sciences
Classification: Likely pathogenic for LCA5-related condition. Last evaluated: 2023-01-30. Review status: criteria provided, single submitter. Criteria: ACMG Guidelines, 2015. Collection method: clinical testing. Allele origin: germline.
Comment: The LCA5 c.1803delA variant is predicted to result in a frameshift and premature protein termination (p.Ala602Leufs*3). To our knowledge, this variant has not been reported in the literature or in a large population database, indicating this variant is rare. Frameshift variants in LCA5 are expected to be pathogenic. This change is located in the terminal exon of LCA5 and other upstream and downstream protein terminating changes have been documented as causative (see for example Viswarubhiny et al. 2021. PubMed ID: 33957996). This variant is interpreted as likely pathogenic.

NM_001122769.3(LCA5):c.1803del (p.Ala602fs)

Gene: LCA5 (lebercilin LCA5; minus strand). Cytogenetic location: 6q14.1.
Variant type: Deletion.
Coding change: c.1803del on transcript NM_001122769.3 (MANE Select); coding-DNA position 1803, one base deleted (A; older notation c.1803delA).
Protein change: p.Ala602fs; shifts the reading frame from alanine 602.
Molecular consequence: frameshift variant.
Genome position (GRCh38, 1-based): chr6:79,487,295, T deleted on the plus strand (A on the coding strand, the reverse complement: LCA5 is on the minus strand); the first of 6 consecutive T bases (chr6:79,487,295-79,487,300); deleting any one gives the same sequence. VCF-style (leftmost placement, unchanged base first): chr6-79487294-CT-C. GRCh37 (hg19) VCF-style: chr6-80197011-CT-C.
Other names: c.1803del, p.Ala602fs (NM_181714.4); short protein forms A602fs.
Identifiers: ClinVar variation 2630556 (VCV002630556.1), dbSNP rs761896026, ClinGen allele CA2695198293.